The following is an entry in ClinVar:

NM_006894.4(FMO3):c.[472G>A;923A>G]

Variant type: Haplotype.
Identifiers: ClinVar variation 16318 (VCV000016318.1).

ClinVar aggregate classification (germline): Pathogenic/Likely pathogenic. Review status: no assertion criteria provided (0 of 4 stars). 2 submissions from 2 submitters: Pathogenic (1); Likely pathogenic (1). Last evaluated 2015-10-01.

Conditions:
Trimethylaminuria (TMAU). Also called: Stale fish syndrome; TMAuria; Primary Trimethylaminuria; FISH-ODOR SYNDROME; Fish malodor syndrome. Identifiers: MedGen C0342739, MONDO:0011182, OMIM 602079, HP:0003614. Disease mechanism: loss of function.
Trimethylaminuria, mild. Identifiers: MedGen C4016101.

Submissions (2):

GeneReviews
Classification: Likely pathogenic for Trimethylaminuria. Last evaluated: 2015-10-01. Review status: no assertion criteria provided. Collection method: literature only. Allele origin: germline. Affected: yes.
Comment: Both variants present in cis configuration on both chromosomes may cause mild or transient primary trimethylaminuria, particularly in infants and young children with low FMO3 expression.

OMIM
Classification: Pathogenic for TRIMETHYLAMINURIA, MILD. Last evaluated: 1999-09-04. Review status: no assertion criteria provided. Collection method: literature only. Allele origin: germline.

Literature cited by the submitters: PubMed 10485731 (cited by GeneReviews and OMIM); PubMed 10896299 (cited by GeneReviews); PubMed 11809920 (cited by GeneReviews).